The following is an entry in ClinVar:

ClinVar aggregate classification (germline): Uncertain significance (1 of 4 stars; one submission).

Conditions:
Cortical dysplasia-focal epilepsy syndrome (PTHSL1). Also called: Pitt-Hopkins-like syndrome 1. Identifiers: Orphanet 163681, Orphanet 221150, MedGen C2750246, MONDO:0012400, OMIM 610042.

Submission:

Labcorp Genetics (formerly Invitae), Labcorp
Classification: Uncertain significance for Cortical dysplasia-focal epilepsy syndrome. Last evaluated: 2019-04-19. Review status: criteria provided, single submitter. Criteria: Invitae Variant Classification Sherloc (09022015). Collection method: clinical testing. Allele origin: germline.
Comment: This sequence change replaces glutamine with arginine at codon 2 of the CNTNAP2 protein (p.Gln2Arg). The glutamine residue is weakly conserved and there is a small physicochemical difference between glutamine and arginine. The frequency data for this variant in the population databases is considered unreliable, as metrics indicate insufficient coverage at this position in the ExAC database. This variant has not been reported in the literature in individuals with CNTNAP2-related conditions. Algorithms developed to predict the effect of missense changes on protein structure and function (SIFT, PolyPhen-2, Align-GVGD) all suggest that this variant is likely to be tolerated, but these predictions have not been confirmed by published functional studies and their clinical significance is uncertain. In summary, the available evidence is currently insufficient to determine the role of this variant in disease. Therefore, it has been classified as a Variant of Uncertain Significance.

NM_014141.6(CNTNAP2):c.5A>G (p.Gln2Arg)

Gene: CNTNAP2 (contactin associated protein 2; plus strand). Cytogenetic location: 7q35.
Variant type: single nucleotide variant.
Coding change: c.5A>G on transcript NM_014141.6 (MANE Select); coding-DNA position 5, A replaced by G.
Protein change: p.Gln2Arg; replaces glutamine 2 with arginine.
Molecular consequence: missense variant.
Genome position (GRCh38, 1-based): chr7:146,116,881, A>G. VCF-style: chr7-146116881-A-G. GRCh37 (hg19) VCF-style: chr7-145813973-A-G.
Other names: short protein forms Q2R.
Identifiers: ClinVar variation 948347 (VCV000948347.10), dbSNP rs1797490798, ClinGen allele CA369921982.